The following is an entry in ClinVar:

ClinVar aggregate classification (germline): Conflicting classifications of pathogenicity. Review status: criteria provided, conflicting classifications (1 of 4 stars). 3 submissions from 3 submitters: Uncertain significance (1); Benign (1); Likely benign (1). Last evaluated 2026-04-24.

Conditions:
Colorectal cancer, susceptibility to, 1. Also called: COLORECTAL ADENOMA AND CANCER, SUSCEPTIBILITY TO; COLORECTAL CANCER, SUSCEPTIBILITY TO, ON CHROMOSOME 9. Identifiers: MedGen C1837315, MONDO:0012132, OMIM 608812.

Submissions (3):

Myriad Genetics, Inc.
Classification: Benign for Colorectal cancer, susceptibility to, 1. Last evaluated: 2026-04-24. Review status: criteria provided, single submitter. Criteria: Myriad Autosomal Dominant, Autosomal Recessive and X-Linked Classification Criteria (2023). Collection method: clinical testing. Allele origin: unknown.
Comment: This variant is considered benign. This variant is a silent/synonymous amino acid change and it is not expected to impact splicing.

Quest Diagnostics Nichols Institute San Juan Capistrano
Classification: Uncertain significance. Last evaluated: 2023-06-29. Review status: criteria provided, single submitter. Criteria: Quest Diagnostics criteria. Collection method: clinical testing. Allele origin: unknown.
Comment: To the best of our knowledge, this variant has not been reported in the published literature. It also has not been reported in large, multi-ethnic general populations (Genome Aggregation Database). Analysis of this variant using software algorithms for the prediction of the effect of nucleotide changes on splicing yielded predictions that this variant does not affect GALNT12 mRNA splicing . Based on the available information, we are unable to determine the clinical significance of this variant.

Ambry Genetics
Classification: Likely benign. Last evaluated: 2021-03-08. Review status: criteria provided, single submitter. Criteria: Ambry Variant Classification Scheme 2023. Collection method: clinical testing. Allele origin: germline.

NM_024642.5(GALNT12):c.670C>T (p.Leu224=)

Gene: GALNT12 (polypeptide N-acetylgalactosaminyltransferase 12; plus strand). Cytogenetic location: 9q22.33.
Variant type: single nucleotide variant.
Coding change: c.670C>T on transcript NM_024642.5 (MANE Select); coding-DNA position 670, C replaced by T.
Protein change: p.Leu224=; no amino-acid change (leucine 224 retained).
Molecular consequence: synonymous variant.
Genome position (GRCh38, 1-based): chr9:98,826,880, C>T. VCF-style: chr9-98826880-C-T. GRCh37 (hg19) VCF-style: chr9-101589162-C-T.
Identifiers: ClinVar variation 1755034 (VCV001755034.4), dbSNP rs2490502192, ClinGen allele CA466423829.